The following is an entry in ClinVar:

ClinVar aggregate classification (germline): Uncertain significance (1 of 4 stars; one submission).

Conditions:
Inborn genetic diseases. Identifiers: MedGen C0950123, MeSH D030342.

Submission:

Ambry Genetics
Classification: Uncertain significance for Inborn genetic diseases. Last evaluated: 2026-06-20. Review status: criteria provided, single submitter. Criteria: Ambry Variant Classification Scheme 2023. Collection method: clinical testing. Allele origin: germline.
Comment: The p.V168A variant (also known as c.503T>C), located in coding exon 4 of the ELANE gene, results from a T to C substitution at nucleotide position 503. The valine at codon 168 is replaced by alanine, an amino acid with similar properties. This amino acid position is conserved. In addition, the in silico prediction for this alteration is inconclusive. Based on the available evidence, the clinical significance of this variant remains unclear.

NM_001972.4(ELANE):c.503T>C (p.Val168Ala)

Gene: ELANE (elastase, neutrophil expressed; plus strand). Cytogenetic location: 19p13.3.
Variant type: single nucleotide variant.
Coding change: c.503T>C on transcript NM_001972.4 (MANE Select); coding-DNA position 503, T replaced by C.
Protein change: p.Val168Ala; replaces valine 168 with alanine.
Molecular consequence: missense variant.
Genome position (GRCh38, 1-based): chr19:855,700, T>C. VCF-style: chr19-855700-T-C. GRCh37 (hg19) VCF-style: chr19-855700-T-C.
Other names: short protein forms V168A.
Identifiers: ClinVar variation 5035876 (VCV005035876.1).